The following is an entry in ClinVar:

NM_001606.5(ABCA2):c.2097-5C>G

Gene: ABCA2 (ATP binding cassette subfamily A member 2; minus strand). Cytogenetic location: 9q34.3.
Variant type: single nucleotide variant.
Coding change: c.2097-5C>G on transcript NM_001606.5 (MANE Select); 5 bases into the intron before coding-DNA position 2097, C replaced by G.
Molecular consequence: intron variant.
Genome position (GRCh38, 1-based): chr9:137,017,906, G>C on the plus strand (C>G on the coding strand, the complement: ABCA2 is on the minus strand). VCF-style: chr9-137017906-G-C. GRCh37 (hg19) VCF-style: chr9-139912358-G-C.
Other names: c.2187-5C>G (NM_212533.3); c.2094-5C>G (NM_001411042.1).
Identifiers: ClinVar variation 5040851 (VCV005040851.1).

ClinVar aggregate classification (germline): Uncertain significance (1 of 4 stars; one submission).

gnomAD v4.1: 503 of 1,612,314 alleles (0.031%); highest among the groups gnomAD compares: Non-Finnish European, 0.038%; no homozygotes.

Submission:

CeGaT Center for Human Genetics Tuebingen
Classification: Uncertain significance. Last evaluated: 2026-09-01. Review status: criteria provided, single submitter. Criteria: CeGaT Center For Human Genetics Tuebingen Variant Classification Criteria Version 2. Collection method: clinical testing. Allele origin: germline. Affected: yes. Observed: 1 variant allele.
Comment: ABCA2: PM2, BP4